The following is an entry in ClinVar:

NM_001386135.1(AFF3):c.3440_3441delinsAA (p.Ile1147Lys)

Gene: AFF3 (ALF transcription elongation factor 3; minus strand). Cytogenetic location: 2q11.2.
Variant type: Indel.
Coding change: c.3440_3441delinsAA on transcript NM_001386135.1 (MANE Select); coding-DNA positions 3440 to 3441, TC replaced by AA.
Protein change: p.Ile1147Lys; replaces isoleucine 1147 with lysine.
Molecular consequence: missense variant.
Genome position (GRCh38, 1-based): chr2:99,554,429-99,554,430, GA replaced by TT on the plus strand (TC replaced by AA on the coding strand, the reverse complement: AFF3 is on the minus strand). VCF-style: chr2-99554429-GA-TT. GRCh37 (hg19) VCF-style: chr2-100170891-GA-TT.
Other names: c.3515_3516delinsAA, p.Ile1172Lys (NM_001025108.2); c.3440_3441delinsAA, p.Ile1147Lys (NM_002285.3); short protein forms I1147K, I1172K.
Identifiers: ClinVar variation 5002396 (VCV005002396.1).

ClinVar aggregate classification (germline): Uncertain significance (1 of 4 stars; one submission).

Conditions:
AFF3-related disorder. Also called: AFF3-related condition.

Submission:

PreventionGenetics, part of Exact Sciences
Classification: Uncertain significance for AFF3-related condition. Last evaluated: 2025-02-05. Review status: criteria provided, single submitter. Criteria: ACMG Guidelines, 2015. Collection method: clinical testing. Allele origin: germline.
Comment: The AFF3 c.3440_3441delinsAA variant is predicted to result in an in-frame deletion and insertion. To our knowledge, this variant has not been reported in the literature or in a large population database (gnomAD), indicating this variant is rare. At this time, the clinical significance of this variant is uncertain due to the absence of conclusive functional and genetic evidence.